The following is an entry in ClinVar:

ClinVar aggregate classification (germline): Pathogenic/Likely pathogenic. Review status: criteria provided, multiple submitters, no conflicts (2 of 4 stars). 4 submissions from 4 submitters: Pathogenic (2); Likely pathogenic (1). 1 of the submissions does not count toward it. Last evaluated 2025-07-15.

Conditions:
Oculocutaneous albinism. Identifiers: Orphanet 55, MedGen C0078918, MONDO:0018910.
SKIN/HAIR/EYE PIGMENTATION 3, LIGHT/DARK SKIN (SHEP3). Also called: SKIN/HAIR/EYE PIGMENTATION 3, BLUE/GREEN EYE COLOR; SKIN/HAIR/EYE PIGMENTATION 3, FRECKLING; SKIN/HAIR/EYE PIGMENTATION, VARIATION IN, 3; EYE COLOR 1; EYE COLOR, GREEN/BLUE. Identifiers: MedGen C2677190, OMIM 601800.

gnomAD v4.1: 1 of 1,614,196 alleles (0.000062%); highest among the groups gnomAD compares: East Asian, 0.0022%; no homozygotes.

Submissions (4):

Women's Health and Genetics/Laboratory Corporation of America, LabCorp
Classification: Pathogenic for Oculocutaneous albinism. Last evaluated: 2025-07-15. Review status: criteria provided, single submitter. Criteria: LabCorp Variant Classification Summary - May 2015. Collection method: clinical testing. Allele origin: germline.
Comment: Variant summary: TYR c.155G>T (p.Arg52Ile) results in a non-conservative amino acid change in the encoded protein sequence. Algorithms developed to predict the effect of missense changes on protein structure and function all suggest that this variant is likely to be disruptive. The variant was absent in 251414 control chromosomes (gnomAD). c.155G>T has been observed in individuals affected with Oculocutaneous Albinism (e.g., Ko_2012, Park_2012, Wei_2022, Xu_2023). These data indicate that the variant is likely to be associated with disease. At least one publication reports experimental evidence evaluating an impact on protein function, finding that the variant results in a complete loss of enzymatic activity (Mondal_2016). The following publications have been ascertained in the context of this evaluation (PMID: 27537549, 34838614, 37471664, 22294196, 22042571). ClinVar contains an entry for this variant (Variation ID: 99551). Based on the evidence outlined above, the variant was classified as pathogenic.

Labcorp Genetics (formerly Invitae), Labcorp
Classification: Likely pathogenic. Last evaluated: 2023-09-08. Review status: criteria provided, single submitter. Criteria: Invitae Variant Classification Sherloc (09022015). Collection method: clinical testing. Allele origin: germline.
Comment: In summary, the currently available evidence indicates that the variant is pathogenic, but additional data are needed to prove that conclusively. Therefore, this variant has been classified as Likely Pathogenic. Experimental studies have shown that this missense change affects TYR function (PMID: 27537549). Advanced modeling of protein sequence and biophysical properties (such as structural, functional, and spatial information, amino acid conservation, physicochemical variation, residue mobility, and thermodynamic stability) performed at Invitae indicates that this missense variant is expected to disrupt TYR protein function. ClinVar contains an entry for this variant (Variation ID: 99551). This missense change has been observed in individual(s) with ocular albinism (PMID: 22042571, 22294196). In at least one individual the data is consistent with being in trans (on the opposite chromosome) from a pathogenic variant. This variant is not present in population databases (gnomAD no frequency). This sequence change replaces arginine, which is basic and polar, with isoleucine, which is neutral and non-polar, at codon 52 of the TYR protein (p.Arg52Ile).

Baylor Genetics
Classification: Pathogenic for SKIN/HAIR/EYE PIGMENTATION 3, LIGHT/DARK SKIN. Last evaluated: 2023-01-12. Review status: criteria provided, single submitter. Criteria: ACMG Guidelines, 2015. Collection method: clinical testing. Allele origin: unknown.

Retina International
No classification provided. Review status: no classification provided. Collection method: not provided. Allele origin: not provided. Not counted in ClinVar's aggregate classification.

Literature cited by the submitters: PubMed 34838614 (cited by Women's Health and Genetics/Laboratory Corporation of America, LabCorp); PubMed 27537549 (cited by Women's Health and Genetics/Laboratory Corporation of America, LabCorp and Labcorp Genetics (formerly Invitae), Labcorp); PubMed 37471664 (cited by Women's Health and Genetics/Laboratory Corporation of America, LabCorp); PubMed 22294196 (cited by Women's Health and Genetics/Laboratory Corporation of America, LabCorp and Labcorp Genetics (formerly Invitae), Labcorp); PubMed 22042571 (cited by Women's Health and Genetics/Laboratory Corporation of America, LabCorp and Labcorp Genetics (formerly Invitae), Labcorp).

NM_000372.5(TYR):c.155G>T (p.Arg52Ile)

Gene: TYR (tyrosinase; plus strand). Cytogenetic location: 11q14.3.
Variant type: single nucleotide variant.
Coding change: c.155G>T on transcript NM_000372.5 (MANE Select); coding-DNA position 155, G replaced by T.
Protein change: p.Arg52Ile; replaces arginine 52 with isoleucine.
Molecular consequence: missense variant.
Genome position (GRCh38, 1-based): chr11:89,178,108, G>T. VCF-style: chr11-89178108-G-T. GRCh37 (hg19) VCF-style: chr11-88911276-G-T.
Other names: short protein forms R52I.
Identifiers: ClinVar variation 99551 (VCV000099551.6), dbSNP rs61753182, ClinGen allele CA227536.